The following is an entry in ClinVar:

NM_000334.4(SCN4A):c.1709T>A (p.Ile570Asn)

Gene: SCN4A (sodium voltage-gated channel alpha subunit 4; minus strand). Cytogenetic location: 17q23.3.
Variant type: single nucleotide variant.
Coding change: c.1709T>A on transcript NM_000334.4 (MANE Select); coding-DNA position 1709, T replaced by A.
Protein change: p.Ile570Asn; replaces isoleucine 570 with asparagine.
Molecular consequence: missense variant.
Genome position (GRCh38, 1-based): chr17:63,961,329, A>T on the plus strand (T>A on the coding strand, the complement: SCN4A is on the minus strand). VCF-style: chr17-63961329-A-T. GRCh37 (hg19) VCF-style: chr17-62038689-A-T.
Other names: short protein forms I570N.
Identifiers: ClinVar variation 2832995 (VCV002832995.5), dbSNP rs767551056, ClinGen allele CA8709758.
Genomic context (GRCh38, chr17:63,961,329, plus strand): 5'-AGCACGATGCAGATGGTGATGCCCAGGTCCACGAACGGGTCCATGACGATCAGGTGGATG[A>T]TGTTCTTGAACTTCAGCCACGGGGCGCAGCAGTTCCATATGAGCACTTTGTGGGCGCACT-3'
Protein context (NP_000325.4, residues 560-580): CCAPWLKFKN[Ile570Asn]IHLIVMDPFV

ClinVar aggregate classification (germline): Uncertain significance. Review status: criteria provided, multiple submitters, no conflicts (2 of 4 stars). 3 submissions from 3 submitters: Uncertain significance (3). Last evaluated 2025-06-10.

Conditions:
Hyperkalemic periodic paralysis. Also called: Familial hyperkalemic periodic paralysis; Gamstorp disease. Identifiers: Orphanet 682, MedGen C0238357, MONDO:0008224, OMIM 170500, HP:0007215.

Allele frequency attached by ClinVar (database versions not stated): TOPMed below 0.00001; ExAC 0.00001.
gnomAD v4.1: 18 of 1,613,756 alleles (0.0011%); highest among the groups gnomAD compares: Non-Finnish European, 0.0014%; no homozygotes.

Submissions (3):

Labcorp Genetics (formerly Invitae), Labcorp
Classification: Uncertain significance for Hyperkalemic periodic paralysis. Last evaluated: 2025-06-10. Review status: criteria provided, single submitter. Criteria: Invitae Variant Classification Sherloc (09022015). Collection method: clinical testing. Allele origin: germline.
Comment: This sequence change replaces isoleucine, which is neutral and non-polar, with asparagine, which is neutral and polar, at codon 570 of the SCN4A protein (p.Ile570Asn). This variant is present in population databases (rs767551056, gnomAD 0.0009%). This variant has not been reported in the literature in individuals affected with SCN4A-related conditions. ClinVar contains an entry for this variant (Variation ID: 2832995). Invitae Evidence Modeling of protein sequence and biophysical properties (such as structural, functional, and spatial information, amino acid conservation, physicochemical variation, residue mobility, and thermodynamic stability) indicates that this missense variant is not expected to disrupt SCN4A protein function with a negative predictive value of 95%. In summary, the available evidence is currently insufficient to determine the role of this variant in disease. Therefore, it has been classified as a Variant of Uncertain Significance.

Revvity Omics, Revvity
Classification: Uncertain significance. Last evaluated: 2025-05-09. Review status: criteria provided, single submitter. Criteria: ACMG Guidelines, 2015. Collection method: clinical testing. Allele origin: germline.

Athena Diagnostics
Classification: Uncertain significance. Last evaluated: 2025-04-08. Review status: criteria provided, single submitter. Criteria: Athena Diagnostics Criteria. Collection method: clinical testing. Allele origin: unknown.
Comment: Available data are insufficient to determine the clinical significance of the variant at this time. The frequency of this variant in the general population is uninformative in assessment of its pathogenicity. Polyphen and MutationTaster predict this amino acid change may be benign.